The following is an entry in ClinVar:

ClinVar aggregate classification (germline): Uncertain significance (1 of 4 stars; one submission).

Conditions:
Aicardi-Goutieres syndrome 3. Identifiers: Orphanet 51, MedGen C1835916, MONDO:0012471, OMIM 610329.

Submission:

Labcorp Genetics (formerly Invitae), Labcorp
Classification: Uncertain significance for Aicardi-Goutieres syndrome 3. Last evaluated: 2021-08-26. Review status: criteria provided, single submitter. Criteria: Invitae Variant Classification Sherloc (09022015). Collection method: clinical testing. Allele origin: germline.
Comment: This sequence change replaces histidine with aspartic acid at codon 15 of the RNASEH2C protein (p.His15Asp). The histidine residue is moderately conserved and there is a moderate physicochemical difference between histidine and aspartic acid. This variant is not present in population databases (ExAC no frequency). This variant has not been reported in the literature in individuals affected with RNASEH2C-related conditions. Algorithms developed to predict the effect of missense changes on protein structure and function are either unavailable or do not agree on the potential impact of this missense change (SIFT: "Tolerated"; PolyPhen-2: "Probably Damaging"; Align-GVGD: "Class C0"). In summary, the available evidence is currently insufficient to determine the role of this variant in disease. Therefore, it has been classified as a Variant of Uncertain Significance.

NM_032193.4(RNASEH2C):c.43C>G (p.His15Asp)

Genes: RNASEH2C (ribonuclease H2 subunit C; minus strand), LOC130006061 (ATAC-STARR-seq lymphoblastoid silent region 3553; plus strand). Cytogenetic location: 11q13.1.
Variant type: single nucleotide variant.
Coding change: c.43C>G on transcript NM_032193.4 (MANE Select); coding-DNA position 43, C replaced by G.
Protein change: p.His15Asp; replaces histidine 15 with aspartic acid.
Molecular consequence: missense variant.
Genome position (GRCh38, 1-based): chr11:65,720,716, G>C on the plus strand (C>G on the coding strand, the complement: RNASEH2C is on the minus strand). VCF-style: chr11-65720716-G-C. GRCh37 (hg19) VCF-style: chr11-65488187-G-C.
Other names: short protein forms H15D.
Identifiers: ClinVar variation 1493835 (VCV001493835.5), dbSNP rs759644653, ClinGen allele CA381299609.